The following is an entry in ClinVar:

ClinVar aggregate classification (germline): Likely benign (1 of 4 stars; one submission).

Allele frequency attached by ClinVar (database versions not stated): gnomAD 0.00009; gnomAD exomes 0.00009; ExAC 0.00010; TOPMed 0.00011.
gnomAD v4.1: 141 of 1,558,404 alleles (0.009%); highest among the groups gnomAD compares: Non-Finnish European, 0.011%; no homozygotes.

Submission:

CeGaT Center for Human Genetics Tuebingen
Classification: Likely benign. Last evaluated: 2023-05-01. Review status: criteria provided, single submitter. Criteria: CeGaT Center For Human Genetics Tuebingen Variant Classification Criteria Version 2. Collection method: clinical testing. Allele origin: germline. Affected: yes. Observed: 1 variant allele.
Comment: SHANK1: PP2, BS2

NM_016148.5(SHANK1):c.5941C>T (p.Arg1981Cys)

Gene: SHANK1 (SH3 and multiple ankyrin repeat domains 1; minus strand). Cytogenetic location: 19q13.33.
Variant type: single nucleotide variant.
Coding change: c.5941C>T on transcript NM_016148.5 (MANE Select); coding-DNA position 5941, C replaced by T.
Protein change: p.Arg1981Cys; replaces arginine 1981 with cysteine.
Molecular consequence: missense variant.
Genome position (GRCh38, 1-based): chr19:50,662,510, G>A on the plus strand (C>T on the coding strand, the complement: SHANK1 is on the minus strand). VCF-style: chr19-50662510-G-A. GRCh37 (hg19) VCF-style: chr19-51165767-G-A.
Other names: short protein forms R1981C.
Identifiers: ClinVar variation 2571053 (VCV002571053.27), dbSNP rs759040809, ClinGen allele CA9600908.
Genomic context (GRCh38, chr19:50,662,510, plus strand): 5'-GGCTGGGGGCCCGGCGGAGCAGAGGGGGCCGCATCTCGAACTCCACGCCCTGGAGGTGGC[G>A]GGTGGACGTGGAGGAGGAGGAGGCTGAGGGTGAGGTGGCCCCTGGGGCCGCAGCGGCTGT-3'
Protein context (NP_057232.2, residues 1971-1991): PSASSSSTST[Arg1981Cys]HLQGVEFEMR